The following is an entry in ClinVar:

ClinVar aggregate classification (germline): Uncertain significance (1 of 4 stars; one submission).

Conditions:
Hereditary diffuse leukoencephalopathy with spheroids. Also called: LEUKOENCEPHALOPATHY, ADULT-ONSET, WITH AXONAL SPHEROIDS AND PIGMENTED GLIA. Identifiers: Orphanet 313808, MedGen C3711381, MONDO:0030796.

Submission:

Baylor Genetics
Classification: Uncertain significance for Leukoencephalopathy, diffuse hereditary, with spheroids 1. Last evaluated: 2018-03-01. Review status: criteria provided, single submitter. Criteria: ACMG Guidelines, 2015. Collection method: clinical testing. Allele origin: maternal. Affected: yes.
Comment: This variant was determined to be of uncertain significance according to ACMG Guidelines, 2015 [PMID:25741868].

NM_001288705.3(CSF1R):c.1198+19C>A

Gene: CSF1R (colony stimulating factor 1 receptor; minus strand). Cytogenetic location: 5q32.
Variant type: single nucleotide variant.
Coding change: c.1198+19C>A on transcript NM_001288705.3 (MANE Select); 19 bases into the intron after coding-DNA position 1198, C replaced by A.
Molecular consequence: intron variant.
Genome position (GRCh38, 1-based): chr5:150,070,437, G>T on the plus strand (C>A on the coding strand, the complement: CSF1R is on the minus strand). VCF-style: chr5-150070437-G-T. GRCh37 (hg19) VCF-style: chr5-149450000-G-T.
Other names: c.754+19C>A (NM_001375321.1); c.1198+19C>A (NM_005211.4, NM_001375320.1, NM_001349736.2).
Identifiers: ClinVar variation 1031519 (VCV001031519.1), dbSNP rs201460285, ClinGen allele CA1590777581.
Genomic context (GRCh38, chr5:150,070,437, plus strand): 5'-TGCCCTGCCCCAGTCAACCCCATCCCTCCAGGCAGTCCCAGGGCCTCCGCCCCAGGTGGC[G>T]CTCGGCCCCAGCACTCACATCGAAGGGTGAGCTCAAACGTCAGAGCTCTCCAGCCTCCTG-3'